The following is an entry in ClinVar:

ClinVar aggregate classification (germline): Uncertain significance. Review status: criteria provided, multiple submitters, no conflicts (2 of 4 stars). 2 submissions from 2 submitters: Uncertain significance (2). Last evaluated 2025-07-02.

Conditions:
Wilson disease (WND). Also called: Wilson's disease. Identifiers: Orphanet 905, MedGen C0019202, MONDO:0010200, OMIM 277900. Disease mechanism: loss of function.

gnomAD v4.1: 3 of 1,613,960 alleles (0.00019%); highest among the groups gnomAD compares: East Asian, 0.0067%; no homozygotes.

Submissions (2):

Color Diagnostics, LLC DBA Color Health
Classification: Uncertain significance for Wilson disease. Last evaluated: 2025-07-02. Review status: criteria provided, single submitter. Criteria: ACMG Guidelines, 2015. Collection method: clinical testing. Allele origin: germline.
Comment: This missense variant replaces glutamic acid with glycine at codon 823 of the ATP7B protein. Computational prediction suggests that this variant may have deleterious impact on protein structure and function. To our knowledge, functional studies have not been reported for this variant. This variant has been reported in an individual affected with neonatal hyperbilirubinemia (DOI: 10.21203/rs.3.rs-4845629/v1). This variant has been identified in 4/280952 chromosomes in the general population by the Genome Aggregation Database (gnomAD). The available evidence is insufficient to determine the role of this variant in disease conclusively. Therefore, this variant is classified as a Variant of Uncertain Significance.

Juno Genomics, Hangzhou Juno Genomics, Inc
Classification: Uncertain significance for Wilson disease. Review status: criteria provided, single submitter. Criteria: ACMG Guidelines, 2015. Collection method: clinical testing. Allele origin: germline.
Comment: Absent from controls (or at extremely low frequency if recessive) in Genome Aggregation Database.;Multiple lines of computational evidence support a deleterious effect on the gene or gene product.

NM_000053.4(ATP7B):c.2468A>G (p.Glu823Gly)

Gene: ATP7B (ATPase copper transporting beta; minus strand). Cytogenetic location: 13q14.3.
Variant type: single nucleotide variant.
Coding change: c.2468A>G on transcript NM_000053.4 (MANE Select); coding-DNA position 2468, A replaced by G.
Protein change: p.Glu823Gly; replaces glutamic acid 823 with glycine.
Molecular consequence: missense variant. On other transcripts: intron variant (1).
Genome position (GRCh38, 1-based): chr13:51,950,379, T>C on the plus strand (A>G on the coding strand, the complement: ATP7B is on the minus strand). VCF-style: chr13-51950379-T-C. GRCh37 (hg19) VCF-style: chr13-52524515-T-C.
Other names: c.1982A>G, p.Glu661Gly (NM_001005918.3, NM_001406541.1, NM_001406542.1 and 1 more transcripts); c.2135A>G, p.Glu712Gly (NM_001243182.2); c.2234A>G, p.Glu745Gly (NM_001330578.2, NM_001406534.1, NM_001406538.1 and 2 more transcripts); c.2216A>G, p.Glu739Gly (NM_001330579.2, NM_001406532.1, NM_001406540.1 and 1 more transcripts); c.2468A>G, p.Glu823Gly (NM_001406511.1, NM_001406512.1, NM_001406513.1 and 7 more transcripts); c.2435A>G, p.Glu812Gly (NM_001406514.1); c.2372A>G, p.Glu791Gly (NM_001406517.1, NM_001406518.1); c.2324A>G, p.Glu775Gly (NM_001406520.1, NM_001406537.1, NM_001406521.1 and 1 more transcripts); and 8 more; short protein forms E607G, E629G, E661G, E680G, E707G, E712G, E713G, E739G.
Identifiers: ClinVar variation 4757606 (VCV004757606.3).
Genomic context (GRCh38, chr13:51,950,379, plus strand): 5'-CCATCCACTGGAAACTTTCCCCCAGGGACCACCTTGACGATATCGCCCCGCTGCACCAGC[T>C]CCATGGGGACTTGCTCCTCCCTGCAACAAACGCCACTTATCACTCACATGGCCACTCATT-3'
Protein context (NP_000044.2, residues 813-833): LIIREEQVPM[Glu823Gly]LVQRGDIVKV